The following is an entry in ClinVar:

NC_000005.9:g.(?_40949986)_(40950136_?)del

Gene: C7 (complement C7; plus strand). Cytogenetic location: 5p13.1.
Variant type: Deletion.
Identifiers: ClinVar variation 3246447 (VCV003246447.1).

ClinVar aggregate classification (germline): Uncertain significance (1 of 4 stars; one submission).

Submission:

Labcorp Genetics (formerly Invitae), Labcorp
Classification: Uncertain significance. Last evaluated: 2023-02-13. Review status: criteria provided, single submitter. Criteria: Invitae Variant Classification Sherloc (09022015). Collection method: clinical testing. Allele origin: unknown.
Comment: This variant is a gross deletion of the genomic region encompassing exon(s) 9 of the C7 gene. This variant would be expected to be in-frame, preserving the integrity of the reading frame. This variant has not been reported in the literature in individuals affected with C7-related conditions. Experimental studies and prediction algorithms are not available or were not evaluated, and the functional significance of this variant is currently unknown. In summary, the available evidence is currently insufficient to determine the role of this variant in disease. Therefore, it has been classified as a Variant of Uncertain Significance.